The following is an entry in ClinVar:

NM_001374736.1(DST):c.21625A>G (p.Ile7209Val)

Gene: DST (dystonin; minus strand). Cytogenetic location: 6p12.1.
Variant type: single nucleotide variant.
Coding change: c.21625A>G on transcript NM_001374736.1 (MANE Select); coding-DNA position 21625, A replaced by G.
Protein change: p.Ile7209Val; replaces isoleucine 7209 with valine.
Molecular consequence: missense variant.
Genome position (GRCh38, 1-based): chr6:56,477,395, T>C on the plus strand (A>G on the coding strand, the complement: DST is on the minus strand). VCF-style: chr6-56477395-T-C. GRCh37 (hg19) VCF-style: chr6-56342193-T-C.
Other names: c.15268A>G, p.Ile5090Val (NM_001144769.5); c.14854A>G, p.Ile4952Val (NM_001144770.2); c.21625A>G, p.Ile7209Val (NM_001374722.1); c.20665A>G, p.Ile6889Val (NM_001374729.1); c.14407A>G, p.Ile4803Val (NM_001374730.1); c.21652A>G, p.Ile7218Val (NM_001374734.1); c.14734A>G, p.Ile4912Val (NM_001386100.1, NM_183380.4); c.13756A>G, p.Ile4586Val (NM_015548.5); short protein forms I4803V, I4912V, I6889V, I7209V, I4586V, I4952V, I5090V, I7218V.
Identifiers: ClinVar variation 1999249 (VCV001999249.4), dbSNP rs781396969, ClinGen allele CA364511037.

ClinVar aggregate classification (germline): Uncertain significance (1 of 4 stars; one submission).

Conditions:
Epidermolysis bullosa simplex 3, localized or generalized intermediate, with BP230 deficiency (EBS3). Also called: Epidermolysis bullosa simplex, autosomal recessive 2; Epidermolysis bullosa simplex due to BP230 deficiency. Identifiers: Orphanet 412181, MedGen C3809470, MONDO:0014180, OMIM 615425.
Hereditary sensory and autonomic neuropathy type 6. Also called: Neuropathy, hereditary sensory and autonomic, type VI; HSAN VI. Identifiers: Orphanet 314381, MedGen C3539003, MONDO:0013839, OMIM 614653.

gnomAD v4.1: 1 of 1,613,982 alleles (0.000062%); highest among the groups gnomAD compares: Non-Finnish European, 0.000085%; no homozygotes.

Submission:

Labcorp Genetics (formerly Invitae), Labcorp
Classification: Uncertain significance for Epidermolysis bullosa simplex 3, localized or generalized intermediate, with BP230 deficiency; Hereditary sensory and autonomic neuropathy type 6. Last evaluated: 2022-05-27. Review status: criteria provided, single submitter. Criteria: Invitae Variant Classification Sherloc (09022015). Collection method: clinical testing. Allele origin: germline.
Comment: This variant is not present in population databases (gnomAD no frequency). In summary, the available evidence is currently insufficient to determine the role of this variant in disease. Therefore, it has been classified as a Variant of Uncertain Significance. Experimental studies and prediction algorithms are not available or were not evaluated, and the functional significance of this variant is currently unknown. This variant has not been reported in the literature in individuals affected with DST-related conditions. This sequence change replaces isoleucine, which is neutral and non-polar, with valine, which is neutral and non-polar, at codon 4586 of the DST protein (p.Ile4586Val). The DST gene has multiple clinically relevant transcripts. This variant occurs in alternate transcript NM_015548.4, and corresponds to NM_001723.5:c.*138122A>G in the primary transcript.